The following is an entry in ClinVar:

ClinVar aggregate classification (germline): Likely pathogenic. Review status: reviewed by expert panel (3 of 4 stars). 3 submissions from 3 submitters: Likely pathogenic (1). 2 of the submissions do not count toward it. Last evaluated 2024-07-17.

Conditions:
Autosomal recessive nonsyndromic hearing loss 3. Also called: NEUROSENSORY NONSYNDROMIC RECESSIVE DEAFNESS 3. Identifiers: Orphanet 90636, MedGen C1838263, MONDO:0010860, OMIM 600316.
Nonsyndromic genetic hearing loss. Also called: Nonsyndromic hearing loss and deafness; Nonsyndromic genetic deafness; Non-syndromic genetic deafness. Identifiers: Orphanet 87884, MedGen C5680182, MONDO:0019497.

Submissions (3):

ClinGen Hearing Loss Variant Curation Expert Panel
Classification: Likely pathogenic for Nonsyndromic genetic hearing loss. Last evaluated: 2024-07-17. Review status: reviewed by expert panel. Criteria: clingen hl acmg specifications otof myo15a v1. Collection method: curation. Allele origin: germline. Inheritance: Autosomal recessive inheritance.
Comment: The c.6337A>T is a missense variant in MYO15A predicted to cause a substitution of isoleucine to phenylalanine at amino acid 2113. This variant is absent in gnomAD v4.1 (PM2_Supporting). However, it has been described as a founder variant with a carrier frequency of 25/100 in Bengkala, Bali (PMID: 9603736). The p.Ile2113Phe variant has been reported to segregate with hearing loss in at least 6 family members (PP1_Strong; PMID: 9603736). The REVEL computational prediction analysis tool produced a score of 0.91, which is above the threshold necessary to apply PP3 (PP3). In summary, this variant meets criteria to be classified as likely pathogenic for autosomal recessive hearing loss based on the ACMG/AMP criteria applied as specified by the ClinGen Hearing Loss VCEP: PP1_Strong, PP3, PM2_Supporting. (The ClinGen Hearing Loss VCEP Specifications Version 1, 07/17/2024)

Labcorp Genetics (formerly Invitae), Labcorp
Classification: Pathogenic. Last evaluated: 2024-01-29. Review status: criteria provided, single submitter. Criteria: Invitae Variant Classification Sherloc (09022015). Collection method: clinical testing. Allele origin: germline. Not counted in ClinVar's aggregate classification.
Comment: This sequence change replaces isoleucine, which is neutral and non-polar, with phenylalanine, which is neutral and non-polar, at codon 2113 of the MYO15A protein (p.Ile2113Phe). This variant is not present in population databases (gnomAD no frequency). This missense change has been observed in individual(s) with deafness (PMID: 9603736). It has also been observed to segregate with disease in related individuals. ClinVar contains an entry for this variant (Variation ID: 6950). Advanced modeling of protein sequence and biophysical properties (such as structural, functional, and spatial information, amino acid conservation, physicochemical variation, residue mobility, and thermodynamic stability) has been performed at Invitae for this missense variant, however the output from this modeling did not meet the statistical confidence thresholds required to predict the impact of this variant on MYO15A protein function. For these reasons, this variant has been classified as Pathogenic.

OMIM
Classification: Pathogenic for DEAFNESS, AUTOSOMAL RECESSIVE 3. Last evaluated: 1998-05-29. Review status: no assertion criteria provided. Collection method: literature only. Allele origin: germline. Not counted in ClinVar's aggregate classification.

Literature cited by the submitters: PubMed 9603736 (cited by Labcorp Genetics (formerly Invitae), Labcorp and OMIM); PubMed 7704031 (cited by OMIM).

NM_016239.4(MYO15A):c.6337A>T (p.Ile2113Phe)

Gene: MYO15A (myosin XVA; plus strand). Cytogenetic location: 17p11.2.
Variant type: single nucleotide variant.
Coding change: c.6337A>T on transcript NM_016239.4 (MANE Select); coding-DNA position 6337, A replaced by T.
Protein change: p.Ile2113Phe; replaces isoleucine 2113 with phenylalanine.
Molecular consequence: missense variant.
Genome position (GRCh38, 1-based): chr17:18,145,935, A>T. VCF-style: chr17-18145935-A-T. GRCh37 (hg19) VCF-style: chr17-18049249-A-T.
Other names: I892F; NM_016239.4(MYO15A):c.6337A>T; short protein forms I2113F.
Identifiers: ClinVar variation 6950 (VCV000006950.6), dbSNP rs121908965, ClinGen allele CA254013.